The following is an entry in ClinVar:

NM_001351132.2(PEX5):c.1875G>A (p.Ala625=)

Gene: PEX5 (peroxisomal biogenesis factor 5; plus strand). Cytogenetic location: 12p13.31.
Variant type: single nucleotide variant.
Coding change: c.1875G>A on transcript NM_001351132.2 (MANE Select); coding-DNA position 1875, G replaced by A.
Protein change: p.Ala625=; no amino-acid change (alanine 625 retained).
Molecular consequence: synonymous variant.
Genome position (GRCh38, 1-based): chr12:7,210,178, G>A. VCF-style: chr12-7210178-G-A. GRCh37 (hg19) VCF-style: chr12-7362774-G-A.
Other names: c.1851G>A, p.Ala617= (NM_000319.5); c.1920G>A, p.Ala640= (NM_001131023.2); c.1764G>A, p.Ala588= (NM_001131024.2, NM_001351124.3, NM_001351126.2 and 7 more transcripts); c.1875G>A, p.Ala625= (NM_001131025.2, NM_001131026.2, NM_001300789.3 and 4 more transcripts); c.1809G>A, p.Ala603= (NM_001351135.3, NM_001351138.2); c.1866G>A, p.Ala622= (NM_001351136.2); c.1740G>A, p.Ala580= (NM_001351139.2, NM_001351140.2, NM_001374649.2).
Identifiers: ClinVar variation 310434 (VCV000310434.16), dbSNP rs371233272, ClinGen allele CA6426613.
Genomic context (GRCh38, chr12:7,210,178, plus strand): 5'-CACCCTGCGTTTGGCATTGTCTATGTTAGGCCAGAGCGATGCCTATGGGGCAGCCGACGC[G>A]CGGGATCTGTCCACCCTCCTAACTATGTTTGGCCTGCCCCAGTGACAGTGGGACGGGCTG-3'
Protein context (NP_001338061.1, residues 615-635): GQSDAYGAAD[Ala625=]RDLSTLLTMF

ClinVar aggregate classification (germline): Conflicting classifications of pathogenicity. Review status: criteria provided, conflicting classifications (1 of 4 stars). 4 submissions from 4 submitters: Uncertain significance (1); Likely benign (2). 1 of the submissions does not count toward it. Last evaluated 2025-10-28.

Conditions:
PEX5-related disorder. Also called: PEX5-Related Disorders; PEX5-related condition.
Peroxisome biogenesis disorder 2A (Zellweger) (PBD2A). Also called: Cerebrohepatorenal syndrome, variant types. Identifiers: Orphanet 912, MedGen C3550273, MONDO:0008954, OMIM 214110.
Peroxisome biogenesis disorder 2B (PBD2B). Identifiers: Orphanet 44, MedGen C3550234, MONDO:0008736, OMIM 202370.

Allele frequency attached by ClinVar (database versions not stated): TOPMed 0.00009; gnomAD exomes 0.00004 and 0.00007; ExAC 0.00006; ESP Exome Variant Server 0.00008; gnomAD 0.00009.
gnomAD v4.1: 108 of 1,614,102 alleles (0.0067%); highest among the groups gnomAD compares: African/African-American, 0.0093%; no homozygotes.

Submissions (4):

Labcorp Genetics (formerly Invitae), Labcorp
Classification: Likely benign for Peroxisome biogenesis disorder 2B. Last evaluated: 2025-10-28. Review status: criteria provided, single submitter. Criteria: Invitae Variant Classification Sherloc (09022015). Collection method: clinical testing. Allele origin: germline.

Blueprint Genetics
Classification: Likely benign. Last evaluated: 2024-11-07. Review status: criteria provided, single submitter. Criteria: ACMG Guidelines, 2015. Collection method: clinical testing. Allele origin: germline.

Illumina Laboratory Services, Illumina
Classification: Uncertain significance for Peroxisome biogenesis disorder 2A (Zellweger). Last evaluated: 2018-01-13. Review status: criteria provided, single submitter. Criteria: ICSL Variant Classification Criteria 13 December 2019. Collection method: clinical testing. Allele origin: germline.

PreventionGenetics, part of Exact Sciences
Classification: Likely benign for PEX5-related condition. Last evaluated: 2019-10-25. Review status: no assertion criteria provided. Collection method: clinical testing. Allele origin: germline. Not counted in ClinVar's aggregate classification.
Comment: This variant is classified as likely benign based on ACMG/AMP sequence variant interpretation guidelines (Richards et al. 2015 PMID: 25741868, with internal and published modifications).